The following is an entry in ClinVar:

ClinVar aggregate classification (germline): Likely benign (1 of 4 stars; one submission).

Conditions:
PMEL-related disorder. Also called: PMEL-related condition.

gnomAD v4.1: 93 of 1,613,682 alleles (0.0058%); highest among the groups gnomAD compares: African/African-American, 0.12%; no homozygotes.

Submission:

PreventionGenetics, part of Exact Sciences
Classification: Likely benign for PMEL-related condition. Last evaluated: 2026-08-18. Review status: criteria provided, single submitter. Criteria: ACMG Guidelines, 2015. Collection method: clinical testing. Allele origin: germline.
Comment: This variant is classified as likely benign based on ACMG/AMP sequence variant interpretation guidelines (Richards et al. 2015 PMID: 25741868, with internal and published modifications).

NM_001384361.1(PMEL):c.717C>T (p.Thr239=)

Gene: PMEL (premelanosome protein; minus strand). Cytogenetic location: 12q13.2.
Variant type: single nucleotide variant.
Coding change: c.717C>T on transcript NM_001384361.1 (MANE Select); coding-DNA position 717, C replaced by T.
Protein change: p.Thr239=; no amino-acid change (threonine 239 retained).
Molecular consequence: synonymous variant.
Genome position (GRCh38, 1-based): chr12:55,957,586, G>A on the plus strand (C>T on the coding strand, the complement: PMEL is on the minus strand). VCF-style: chr12-55957586-G-A. GRCh37 (hg19) VCF-style: chr12-56351370-G-A.
Other names: c.459C>T, p.Thr153= (NM_001200053.1); c.717C>T, p.Thr239= (NM_001200054.1, NM_001320121.1, NM_001320122.1 and 1 more transcripts).
Identifiers: ClinVar variation 4981380 (VCV004981380.1).